The following is an entry in ClinVar:

NM_145038.5(DRC1):c.1679C>T (p.Ser560Phe)

Gene: DRC1 (dynein regulatory complex subunit 1; plus strand). Cytogenetic location: 2p23.3.
Variant type: single nucleotide variant.
Coding change: c.1679C>T on transcript NM_145038.5 (MANE Select); coding-DNA position 1679, C replaced by T.
Protein change: p.Ser560Phe; replaces serine 560 with phenylalanine.
Molecular consequence: missense variant.
Genome position (GRCh38, 1-based): chr2:26,450,671, C>T. VCF-style: chr2-26450671-C-T. GRCh37 (hg19) VCF-style: chr2-26673539-C-T.
Other names: short protein forms S560F.
Identifiers: ClinVar variation 956849 (VCV000956849.10), dbSNP rs1663980286, ClinGen allele CA346117093.
Genomic context (GRCh38, chr2:26,450,671, plus strand): 5'-AGGATGACTTGTATAAACTGGTGAACTTCTTCCTTAAATATCGAGCTCACCGTTTATCTT[C>T]CAGCCTCCAGGTAAGGCAAGGTGCAGAGAGAAGAAAGCATTTTCTTTCTTTCTTATTTAT-3'
Protein context (NP_659475.2, residues 550-570): FLKYRAHRLS[Ser560Phe]SLQIKPCSQA

ClinVar aggregate classification (germline): Uncertain significance (1 of 4 stars; one submission).

Conditions:
Primary ciliary dyskinesia. Also called: Ciliary dyskinesia. Identifiers: Orphanet 244, MedGen C0008780, MONDO:0016575, HP:0012265.

Submission:

Labcorp Genetics (formerly Invitae), Labcorp
Classification: Uncertain significance for Primary ciliary dyskinesia. Last evaluated: 2022-06-04. Review status: criteria provided, single submitter. Criteria: Invitae Variant Classification Sherloc (09022015). Collection method: clinical testing. Allele origin: germline.
Comment: In summary, the available evidence is currently insufficient to determine the role of this variant in disease. Therefore, it has been classified as a Variant of Uncertain Significance. Algorithms developed to predict the effect of missense changes on protein structure and function output the following: SIFT: "Tolerated"; PolyPhen-2: "Benign"; Align-GVGD: "Class C0". The phenylalanine amino acid residue is found in multiple mammalian species, which suggests that this missense change does not adversely affect protein function. ClinVar contains an entry for this variant (Variation ID: 956849). This variant has not been reported in the literature in individuals affected with DRC1-related conditions. This variant is not present in population databases (gnomAD no frequency). This sequence change replaces serine, which is neutral and polar, with phenylalanine, which is neutral and non-polar, at codon 560 of the DRC1 protein (p.Ser560Phe).